The following is an entry in ClinVar:

NM_198253.3(TERT):c.329G>T (p.Gly110Val)

Gene: TERT (telomerase reverse transcriptase; minus strand). Cytogenetic location: 5p15.33.
Variant type: single nucleotide variant.
Coding change: c.329G>T on transcript NM_198253.3 (MANE Select); coding-DNA position 329, G replaced by T.
Protein change: p.Gly110Val; replaces glycine 110 with valine.
Molecular consequence: missense variant. On other transcripts: non-coding transcript variant (2).
Genome position (GRCh38, 1-based): chr5:1,294,557, C>A on the plus strand (G>T on the coding strand, the complement: TERT is on the minus strand). VCF-style: chr5-1294557-C-A. GRCh37 (hg19) VCF-style: chr5-1294672-C-A.
Other names: c.329G>T, p.Gly110Val (NM_001193376.3, NM_003219.1); short protein forms G110V.
Identifiers: ClinVar variation 2936608 (VCV002936608.3), dbSNP rs1751262771, ClinGen allele CA359058281.

ClinVar aggregate classification (germline): Likely pathogenic (1 of 4 stars; one submission).

Conditions:
Dyskeratosis congenita, autosomal dominant 2. Identifiers: MedGen C3151443, MONDO:0013521, OMIM 613989.
Idiopathic Pulmonary Fibrosis. Also called: Idiopathic fibrosing alveolitis, chronic form; idiopathic fibrosing alveolitis. Identifiers: Orphanet 2032, MedGen C1800706, MeSH D054990, MONDO:0800504.

Submission:

Labcorp Genetics (formerly Invitae), Labcorp
Classification: Likely pathogenic for Dyskeratosis congenita, autosomal dominant 2; Idiopathic Pulmonary Fibrosis. Last evaluated: 2023-05-20. Review status: criteria provided, single submitter. Criteria: Invitae Variant Classification Sherloc (09022015). Collection method: clinical testing. Allele origin: germline.
Comment: This sequence change replaces glycine, which is neutral and non-polar, with valine, which is neutral and non-polar, at codon 110 of the TERT protein (p.Gly110Val). This variant is not present in population databases (gnomAD no frequency). This variant has not been reported in the literature in individuals affected with TERT-related conditions. Advanced modeling of protein sequence and biophysical properties (such as structural, functional, and spatial information, amino acid conservation, physicochemical variation, residue mobility, and thermodynamic stability) performed at Invitae indicates that this missense variant is expected to disrupt TERT protein function. This variant disrupts the p.Gly110 amino acid residue in TERT. Other variant(s) that disrupt this residue have been determined to be pathogenic (PMID: 26024875, 34019641). This suggests that this residue is clinically significant, and that variants that disrupt this residue are likely to be disease-causing. In summary, the currently available evidence indicates that the variant is pathogenic, but additional data are needed to prove that conclusively. Therefore, this variant has been classified as Likely Pathogenic.

Literature cited by the submitters: PubMed 26024875; PubMed 34019641.